The following is an entry in ClinVar:

NM_002230.4(JUP):c.1885C>T (p.Pro629Ser)

Gene: JUP (junction plakoglobin; minus strand). Cytogenetic location: 17q21.2.
Variant type: single nucleotide variant.
Coding change: c.1885C>T on transcript NM_002230.4 (MANE Select); coding-DNA position 1885, C replaced by T.
Protein change: p.Pro629Ser; replaces proline 629 with serine.
Molecular consequence: missense variant.
Genome position (GRCh38, 1-based): chr17:41,757,673, G>A on the plus strand (C>T on the coding strand, the complement: JUP is on the minus strand). VCF-style: chr17-41757673-G-A. GRCh37 (hg19) VCF-style: chr17-39913925-G-A.
Other names: c.1885C>T, p.Pro629Ser (NM_001352773.2, NM_001352774.2, NM_001352776.2 and 3 more transcripts); short protein forms P629S.
Identifiers: ClinVar variation 577889 (VCV000577889.13), dbSNP rs1188860546, ClinGen allele CA399492237.
Genomic context (GRCh38, chr17:41,757,673, plus strand): 5'-TCCTGCCCTCCCCCAGCTCACCAGTGCCCTCGTTGCGGGAGTGCAGCAACTCCATGAGTG[G>A]GGCCGAGGCCCCCTCTGCATCAATGGCGTCGGCCGCCTCCTTGTCCTGGGCCAGCTCACA-3'
Protein context (NP_002221.1, residues 619-639): DAIDAEGASA[Pro629Ser]LMELLHSRNE

ClinVar aggregate classification (germline): Uncertain significance. Review status: criteria provided, multiple submitters, no conflicts (2 of 4 stars). 4 submissions from 4 submitters: Uncertain significance (4). Last evaluated 2025-11-10.

Conditions:
Cardiovascular phenotype. Identifiers: MedGen CN230736.
Arrhythmogenic right ventricular dysplasia 12. Also called: ARRHYTHMOGENIC RIGHT VENTRICULAR DYSPLASIA, FAMILIAL, 12. Identifiers: MedGen C1969081, MONDO:0012684, OMIM 611528.
Naxos disease (NXD). Also called: CARDIOMYOPATHY, ARRHYTHMOGENIC RIGHT VENTRICULAR, WITH SKIN, HAIR, AND NAIL ABNORMALITIES; PALMOPLANTAR KERATODERMA WITH ARRHYTHMOGENIC RIGHT VENTRICULAR CARDIOMYOPATHY AND WOOLLY HAIR; WOOLLY HAIR, PALMOPLANTAR KERATODERMA, AND CARDIAC ABNORMALITIES; KERATOSIS PALMOPLANTARIS WITH ARRHYTHMOGENIC CARDIOMYOPATHY; MAL DE NAXOS. Identifiers: Orphanet 34217, MedGen C1832600, MONDO:0011017, OMIM 601214.

Allele frequency attached by ClinVar (database versions not stated): gnomAD 0.00001; TOPMed 0.00001.

Submissions (4):

Ambry Genetics
Classification: Uncertain significance for Cardiovascular phenotype. Last evaluated: 2025-11-10. Review status: criteria provided, single submitter. Criteria: Ambry Variant Classification Scheme 2023. Collection method: clinical testing. Allele origin: germline.
Comment: The p.P629S variant (also known as c.1885C>T), located in coding exon 10 of the JUP gene, results from a C to T substitution at nucleotide position 1885. The proline at codon 629 is replaced by serine, an amino acid with similar properties. This amino acid position is conserved. In addition, this alteration is predicted to be tolerated by in silico analysis. Based on the available evidence, the clinical significance of this variant remains unclear.

Labcorp Genetics (formerly Invitae), Labcorp
Classification: Uncertain significance for Arrhythmogenic right ventricular dysplasia 12; Naxos disease. Last evaluated: 2024-02-25. Review status: criteria provided, single submitter. Criteria: Invitae Variant Classification Sherloc (09022015). Collection method: clinical testing. Allele origin: germline.
Comment: This sequence change replaces proline, which is neutral and non-polar, with serine, which is neutral and polar, at codon 629 of the JUP protein (p.Pro629Ser). This variant is not present in population databases (gnomAD no frequency). This variant has not been reported in the literature in individuals affected with JUP-related conditions. ClinVar contains an entry for this variant (Variation ID: 577889). An algorithm developed to predict the effect of missense changes on protein structure and function (PolyPhen-2) suggests that this variant is likely to be tolerated. In summary, the available evidence is currently insufficient to determine the role of this variant in disease. Therefore, it has been classified as a Variant of Uncertain Significance.

University of Washington Department of Laboratory Medicine, University of Washington
Classification: Uncertain significance for Arrhythmogenic right ventricular dysplasia 12. Last evaluated: 2021-12-07. Review status: criteria provided, single submitter. Criteria: ACMG Guidelines, 2015. Collection method: clinical testing. Allele origin: unknown. Affected: yes.
Comment: The p.Pro629Ser variant in the JUP gene has not been previously reported in association with disease and was absent from large population databases, including the Genome Aggregation Database. The p.Pro629Ser variant has been submitted to ClinVar (Variation ID: 577889). In silico tools do not consistently predict if the p.Pro629Ser is deleterious. These predictions have not been tested directly. Using ACMG guidelines, this variant was classified as a variant of uncertain significance (ACMG evidence codes used: PM2_supporting).

GeneDx
Classification: Uncertain significance. Last evaluated: 2019-03-28. Review status: criteria provided, single submitter. Criteria: GeneDx Variant Classification Process June 2021. Collection method: clinical testing. Allele origin: germline. Affected: yes.
Comment: Has not been previously published as pathogenic or benign to our knowledge; Reported in ClinVar as a variant of uncertain significance but additional evidence is not available (ClinVar Variant ID# 577889; Landrum et al., 2016); Not observed in large population cohorts (Lek et al., 2016); In silico analysis, which includes protein predictors and evolutionary conservation, supports a deleterious effect